The following is an entry in ClinVar:

NM_005612.5(REST):c.2092G>A (p.Val698Ile)

Gene: REST (RE1 silencing transcription factor; plus strand). Cytogenetic location: 4q12.
Variant type: single nucleotide variant.
Coding change: c.2092G>A on transcript NM_005612.5 (MANE Select); coding-DNA position 2092, G replaced by A.
Protein change: p.Val698Ile; replaces valine 698 with isoleucine.
Molecular consequence: missense variant.
Genome position (GRCh38, 1-based): chr4:56,930,950, G>A. VCF-style: chr4-56930950-G-A. GRCh37 (hg19) VCF-style: chr4-57797116-G-A.
Other names: c.2092G>A, p.Val698Ile (NM_001193508.2, NM_001363453.3); c.2092G>A (NM_005612.4); short protein forms V698I.
Identifiers: ClinVar variation 1910411 (VCV001910411.6), dbSNP rs202161415, ClinGen allele CA2932406.
Genomic context (GRCh38, chr4:56,930,950, plus strand): 5'-GCCCAAATTGTACTTGCTCACATGGAGCTGCCTCCTCCCATGGAGACTGCTCAGACGGAG[G>A]TTGCCCAAATGGGGCCTGCTCCCATGGAACCTGCTCAGATGGAGGTTGCCCAGGTAGAAT-3'
Protein context (NP_005603.3, residues 688-708): PPPMETAQTE[Val698Ile]AQMGPAPMEP

ClinVar aggregate classification (germline): Uncertain significance. Review status: criteria provided, multiple submitters, no conflicts (2 of 4 stars). 2 submissions from 2 submitters: Uncertain significance (2). Last evaluated 2026-02-04.

Conditions:
REST-related disorder. Also called: REST-related condition.

Allele frequency attached by ClinVar (database versions not stated): gnomAD exomes below 0.00001; TOPMed below 0.00001; ExAC 0.00001; 1000 Genomes Project 0.00020.
gnomAD v4.1: 6 of 1,613,242 alleles (0.00037%); highest among the groups gnomAD compares: Admixed American, 0.01%; no homozygotes.

Submissions (2):

PreventionGenetics, part of Exact Sciences
Classification: Uncertain significance for REST-related condition. Last evaluated: 2026-02-04. Review status: criteria provided, single submitter. Criteria: ACMG Guidelines, 2015. Collection method: clinical testing. Allele origin: germline.
Comment: The REST c.2092G>A variant is predicted to result in the amino acid substitution p.Val698Ile. To our knowledge, this variant has not been reported in the literature. This variant is reported in 0.0056% of alleles in individuals of Latino descent in gnomAD. At this time, the clinical significance of this variant is uncertain due to the absence of conclusive functional and genetic evidence.

Labcorp Genetics (formerly Invitae), Labcorp
Classification: Uncertain significance. Last evaluated: 2023-09-10. Review status: criteria provided, single submitter. Criteria: Invitae Variant Classification Sherloc (09022015). Collection method: clinical testing. Allele origin: germline.
Comment: In summary, the available evidence is currently insufficient to determine the role of this variant in disease. Therefore, it has been classified as a Variant of Uncertain Significance. An algorithm developed to predict the effect of missense changes on protein structure and function (PolyPhen-2) suggests that this variant is likely to be tolerated. ClinVar contains an entry for this variant (Variation ID: 1910411). This variant has not been reported in the literature in individuals affected with REST-related conditions. This variant is present in population databases (rs202161415, gnomAD 0.006%). This sequence change replaces valine, which is neutral and non-polar, with isoleucine, which is neutral and non-polar, at codon 698 of the REST protein (p.Val698Ile).